The following is an entry in ClinVar:

NM_001031689.3(PLAA):c.1118G>C (p.Arg373Thr)

Gene: PLAA (phospholipase A2 activating protein; minus strand). Cytogenetic location: 9p21.2.
Variant type: single nucleotide variant.
Coding change: c.1118G>C on transcript NM_001031689.3 (MANE Select); coding-DNA position 1118, G replaced by C.
Protein change: p.Arg373Thr; replaces arginine 373 with threonine.
Molecular consequence: missense variant.
Genome position (GRCh38, 1-based): chr9:26,920,306, C>G on the plus strand (G>C on the coding strand, the complement: PLAA is on the minus strand). VCF-style: chr9-26920306-C-G. GRCh37 (hg19) VCF-style: chr9-26920304-C-G.
Other names: c.1118G>C (NM_001031689.2); c.1118G>C, p.Arg373Thr (NM_001321546.2); short protein forms R373T.
Identifiers: ClinVar variation 1372205 (VCV001372205.6), dbSNP rs200045872, ClinGen allele CA5014461.
Genomic context (GRCh38, chr9:26,920,306, plus strand): 5'-TTTCCAGATGTTTGCTGATTAGCACCAGATGAGCCAACAACATCACCAATTTTTATCCAC[C>G]TCCCTTCACTAACACTCCACTGATAGGCTTCGACTTTCTCCCCATCTCTGATTAGACGAG-3'
Protein context (NP_001026859.1, residues 363-383): EAYQWSVSEG[Arg373Thr]WIKIGDVVGS

ClinVar aggregate classification (germline): Uncertain significance. Review status: criteria provided, multiple submitters, no conflicts (2 of 4 stars). 2 submissions from 2 submitters: Uncertain significance (2). Last evaluated 2025-06-23.

Conditions:
Inborn genetic diseases. Identifiers: MedGen C0950123, MeSH D030342.

Allele frequency attached by ClinVar (database versions not stated): gnomAD 0.00002 and 0.00003; ExAC 0.00005; gnomAD exomes 0.00006; 1000 Genomes Project 30x 0.00016; 1000 Genomes Project 0.00020.
gnomAD v4.1: 29 of 1,613,634 alleles (0.0018%); highest among the groups gnomAD compares: Admixed American, 0.047%; no homozygotes.

Submissions (2):

Ambry Genetics
Classification: Uncertain significance for Inborn genetic diseases. Last evaluated: 2025-06-23. Review status: criteria provided, single submitter. Criteria: Ambry Variant Classification Scheme 2023. Collection method: clinical testing. Allele origin: germline.

Labcorp Genetics (formerly Invitae), Labcorp
Classification: Uncertain significance. Last evaluated: 2022-08-23. Review status: criteria provided, single submitter. Criteria: Invitae Variant Classification Sherloc (09022015). Collection method: clinical testing. Allele origin: germline.
Comment: This sequence change replaces arginine, which is basic and polar, with threonine, which is neutral and polar, at codon 373 of the PLAA protein (p.Arg373Thr). This variant is present in population databases (rs200045872, gnomAD 0.05%). This variant has not been reported in the literature in individuals affected with PLAA-related conditions. ClinVar contains an entry for this variant (Variation ID: 1372205). Algorithms developed to predict the effect of missense changes on protein structure and function (SIFT, PolyPhen-2, Align-GVGD) all suggest that this variant is likely to be tolerated. Algorithms developed to predict the effect of sequence changes on RNA splicing suggest that this variant may create or strengthen a splice site. In summary, the available evidence is currently insufficient to determine the role of this variant in disease. Therefore, it has been classified as a Variant of Uncertain Significance.